The following is an entry in ClinVar:

NM_001042545.2(LTBP4):c.2300-264G>C

Gene: LTBP4 (latent transforming growth factor beta binding protein 4; plus strand). Cytogenetic location: 19q13.2.
Variant type: single nucleotide variant.
Coding change: c.2300-264G>C on transcript NM_001042545.2 (MANE Select); 264 bases into the intron before coding-DNA position 2300, G replaced by C.
Molecular consequence: intron variant.
Genome position (GRCh38, 1-based): chr19:40,612,801, G>C. VCF-style: chr19-40612801-G-C. GRCh37 (hg19) VCF-style: chr19-41118707-G-C.
Other names: c.2390-264G>C (NM_003573.2); c.2501-264G>C (NM_001042544.1).
Identifiers: ClinVar variation 668716 (VCV000668716.2), dbSNP rs4803348, ClinGen allele CA14642998.

ClinVar aggregate classification (germline): Benign. Review status: criteria provided, multiple submitters, no conflicts (2 of 4 stars). 2 submissions from 2 submitters: Benign (2). Last evaluated 2018-06-19.

Allele frequency attached by ClinVar (database versions not stated): TOPMed 0.35564; gnomAD 0.36207 and 0.36720; 1000 Genomes Project 30x 0.38882; 1000 Genomes Project 0.39617.

Submissions (2):

GeneDx
Classification: Benign. Last evaluated: 2018-06-19. Review status: criteria provided, single submitter. Criteria: GeneDx Variant Classification (06012015). Collection method: clinical testing. Allele origin: germline. Affected: yes.
Comment: This variant is considered likely benign or benign based on one or more of the following criteria: it is a conservative change, it occurs at a poorly conserved position in the protein, it is predicted to be benign by multiple in silico algorithms, and/or has population frequency not consistent with disease.

Breakthrough Genomics
Classification: Benign. Review status: criteria provided, single submitter. Criteria: ACMG Guidelines, 2015. Collection method: not provided. Allele origin: germline. Inheritance: Autosomal recessive inheritance. Affected: yes.